The following is an entry in ClinVar:

ClinVar aggregate classification (germline): Likely benign. Review status: criteria provided, single submitter (1 of 4 stars). 2 submissions from 2 submitters: Likely benign (1). 1 of the submissions does not count toward it. Last evaluated 2024-03-21.

Conditions:
TG-related disorder. Also called: TG-related disorders; TG-related condition.

Allele frequency attached by ClinVar (database versions not stated): gnomAD exomes below 0.00001.
gnomAD v4.1: 4 of 1,614,004 alleles (0.00025%); highest among the groups gnomAD compares: Middle Eastern, 0.033%; no homozygotes.

Submissions (2):

Labcorp Genetics (formerly Invitae), Labcorp
Classification: Likely benign. Last evaluated: 2024-03-21. Review status: criteria provided, single submitter. Criteria: Invitae Variant Classification Sherloc (09022015). Collection method: clinical testing. Allele origin: germline.

PreventionGenetics, part of Exact Sciences
Classification: Likely benign for TG-related condition. Last evaluated: 2022-07-11. Review status: no assertion criteria provided. Collection method: clinical testing. Allele origin: germline. Not counted in ClinVar's aggregate classification.
Comment: This variant is classified as likely benign based on ACMG/AMP sequence variant interpretation guidelines (Richards et al. 2015 PMID: 25741868, with internal and published modifications).

NM_003235.5(TG):c.5371T>C (p.Leu1791=)

Gene: TG (thyroglobulin; plus strand). Cytogenetic location: 8q24.22.
Variant type: single nucleotide variant.
Coding change: c.5371T>C on transcript NM_003235.5 (MANE Select); coding-DNA position 5371, T replaced by C.
Protein change: p.Leu1791=; no amino-acid change (leucine 1791 retained).
Molecular consequence: synonymous variant.
Genome position (GRCh38, 1-based): chr8:132,948,913, T>C. VCF-style: chr8-132948913-T-C. GRCh37 (hg19) VCF-style: chr8-133961158-T-C.
Other names: c.5371T>C (NM_003235.4).
Identifiers: ClinVar variation 2878348 (VCV002878348.5), dbSNP rs866856474, ClinGen allele CA186284158.